The following is an entry in ClinVar:

ClinVar aggregate classification (germline): Uncertain significance (1 of 4 stars; one submission).

gnomAD v4.1: 1 of 1,614,178 alleles (0.000062%); highest among the groups gnomAD compares: South Asian, 0.0011%; no homozygotes.

Submission:

Greenwood Genetic Center Diagnostic Laboratories, Greenwood Genetic Center
Classification: Uncertain significance. Last evaluated: 2024-07-22. Review status: criteria provided, single submitter. Criteria: ACMG Guidelines, 2015. Collection method: clinical testing. Allele origin: germline. Affected: yes.
Comment: PS2, PP2, BP4

NM_001257293.2(HNRNPH1):c.751G>A (p.Asp251Asn)

Genes: HNRNPH1 (heterogeneous nuclear ribonucleoprotein H1; minus strand), LOC128966623 (uncharacterized LOC128966623; plus strand). Cytogenetic location: 5q35.3.
Variant type: single nucleotide variant.
Coding change: c.751G>A on transcript NM_001257293.2 (MANE Select); coding-DNA position 751, G replaced by A.
Protein change: p.Asp251Asn; replaces aspartic acid 251 with asparagine.
Molecular consequence: missense variant. On other transcripts: intron variant (1).
Genome position (GRCh38, 1-based): chr5:179,618,025, C>T on the plus strand (G>A on the coding strand, the complement: HNRNPH1 is on the minus strand). VCF-style: chr5-179618025-C-T. GRCh37 (hg19) VCF-style: chr5-179045026-C-T.
Other names: c.751G>A, p.Asp251Asn (NM_001363572.2, NM_001364225.2, NM_001364226.2 and 36 more transcripts); c.595G>A, p.Asp199Asn (NM_001364250.2); c.148G>A, p.Asp50Asn (NM_001364251.2, NM_001364252.2, NM_001364253.2 and 4 more transcripts); c.520G>A, p.Asp174Asn (NM_001395190.1); c.433G>A, p.Asp145Asn (NM_001395191.1, NM_001395192.1); c.398-114G>A (NM_001395193.1); short protein forms D145N, D174N, D199N, D251N, D50N.
Identifiers: ClinVar variation 3765860 (VCV003765860.1).